The following is an entry in ClinVar:

NM_000038.6(APC):c.136-1763C>T

Gene: APC (APC regulator of WNT signaling pathway; plus strand). Cytogenetic location: 5q22.2.
Variant type: single nucleotide variant.
Coding change: c.136-1763C>T on transcript NM_000038.6 (MANE Select); 1763 bases into the intron before coding-DNA position 136, C replaced by T.
Molecular consequence: intron variant.
Genome position (GRCh38, 1-based): chr5:112,764,563, C>T. VCF-style: chr5-112764563-C-T. GRCh37 (hg19) VCF-style: chr5-112100260-C-T.
Other names: c.136-1763C>T (NM_001354895.2, NM_001127510.3, NM_001354896.2 and 2 more transcripts); c.166-1763C>T (NM_001354897.2, NM_001354902.2, NM_001127511.3); c.61-1763C>T (NM_001354898.2, NM_001354904.2); c.-900-1763C>T (NM_001354906.2); c.-42-1763C>T (NM_001354900.2, NM_001354901.2, NM_001354905.2).
Identifiers: ClinVar variation 82389 (VCV000082389.2), dbSNP rs75487989, ClinGen allele CA004506.

ClinVar aggregate classification (germline): other (0 of 4 stars; one submission).

Conditions:
Familial colorectal cancer. Identifiers: MedGen CN280943, MONDO:0023113. Disease mechanism: loss of function.

Allele frequency attached by ClinVar (database versions not stated): TOPMed 0.00001.

Submission:

Systems Biology Platform Zhejiang California International NanoSystems Institute
Classification: other for Familial colorectal cancer. Review status: no assertion criteria provided. Collection method: not provided. Allele origin: unknown.
ClinVar note: Converted during submission from cancer to other.